The following is an entry in ClinVar:

ClinVar aggregate classification (germline): Likely benign (0 of 4 stars; one submission).

Conditions:
SCYL2-related disorder. Also called: SCYL2-related condition.

Allele frequency attached by ClinVar (database versions not stated): 1000 Genomes Project 30x 0.00109; 1000 Genomes Project 0.00120; ExAC 0.00228; gnomAD 0.00279; TOPMed 0.00300; ESP Exome Variant Server 0.00323; gnomAD exomes 0.00419.
gnomAD v4.1: 6,521 of 1,614,124 alleles (0.4%); highest among the groups gnomAD compares: Non-Finnish European, 0.51%; 21 homozygotes.

Submission:

PreventionGenetics, part of Exact Sciences
Classification: Likely benign for SCYL2-related condition. Last evaluated: 2022-05-02. Review status: no assertion criteria provided. Collection method: clinical testing. Allele origin: germline.
Comment: This variant is classified as likely benign based on ACMG/AMP sequence variant interpretation guidelines (Richards et al. 2015 PMID: 25741868, with internal and published modifications).

NM_017988.6(SCYL2):c.2662G>A (p.Val888Met)

Gene: SCYL2 (SCY1 like pseudokinase 2; plus strand). Cytogenetic location: 12q23.1.
Variant type: single nucleotide variant.
Coding change: c.2662G>A on transcript NM_017988.6 (MANE Select); coding-DNA position 2662, G replaced by A.
Protein change: p.Val888Met; replaces valine 888 with methionine.
Molecular consequence: missense variant.
Genome position (GRCh38, 1-based): chr12:100,339,044, G>A. VCF-style: chr12-100339044-G-A. GRCh37 (hg19) VCF-style: chr12-100732822-G-A.
Other names: c.2662G>A, p.Val888Met (NM_001317784.2); c.2674G>A, p.Val892Met (NM_001330253.2, NM_001330254.2); c.2155G>A, p.Val719Met (NM_001330256.2); short protein forms V719M, V888M, V892M.
Identifiers: ClinVar variation 3049470 (VCV003049470.2), dbSNP rs117356610, ClinGen allele CA6738587.